The following is an entry in ClinVar:

NM_032737.4(LMNB2):c.1624C>T (p.Pro542Ser)

Gene: LMNB2 (lamin B2; minus strand). Cytogenetic location: 19p13.3.
Variant type: single nucleotide variant.
Coding change: c.1624C>T on transcript NM_032737.4 (MANE Select); coding-DNA position 1624, C replaced by T.
Protein change: p.Pro542Ser; replaces proline 542 with serine.
Molecular consequence: missense variant.
Genome position (GRCh38, 1-based): chr19:2,431,869, G>A on the plus strand (C>T on the coding strand, the complement: LMNB2 is on the minus strand). VCF-style: chr19-2431869-G-A. GRCh37 (hg19) VCF-style: chr19-2431867-G-A.
Other names: c.1564C>T (NM_032737.2); short protein forms P542S.
Identifiers: ClinVar variation 2936550 (VCV002936550.4), dbSNP rs759878071, ClinGen allele CA9067398.

ClinVar aggregate classification (germline): Uncertain significance. Review status: criteria provided, multiple submitters, no conflicts (2 of 4 stars). 2 submissions from 2 submitters: Uncertain significance (2). Last evaluated 2023-12-27.

Conditions:
Progressive myoclonic epilepsy type 9. Identifiers: Orphanet 457265, MedGen C4225289, MONDO:0014685, OMIM 616540.
Lipodystrophy, partial, acquired, susceptibility to (APLD). Also called: APLD, SUSCEPTIBILITY TO. Identifiers: MedGen C3887501, MONDO:0100476, OMIM 608709.

Allele frequency attached by ClinVar (database versions not stated): ExAC 0.00001; gnomAD 0.00001; TOPMed 0.00001.
gnomAD v4.1: 6 of 1,612,896 alleles (0.00037%); highest among the groups gnomAD compares: Admixed American, 0.0033%; no homozygotes.

Submissions (2):

Labcorp Genetics (formerly Invitae), Labcorp
Classification: Uncertain significance for Progressive myoclonic epilepsy type 9; Lipodystrophy, partial, acquired, susceptibility to. Last evaluated: 2023-12-27. Review status: criteria provided, single submitter. Criteria: Invitae Variant Classification Sherloc (09022015). Collection method: clinical testing. Allele origin: germline.
Comment: This sequence change replaces proline, which is neutral and non-polar, with serine, which is neutral and polar, at codon 542 of the LMNB2 protein (p.Pro542Ser). This variant is present in population databases (rs759878071, gnomAD 0.003%). This variant has not been reported in the literature in individuals affected with LMNB2-related conditions. Advanced modeling of protein sequence and biophysical properties (such as structural, functional, and spatial information, amino acid conservation, physicochemical variation, residue mobility, and thermodynamic stability) performed at Invitae indicates that this missense variant is expected to disrupt LMNB2 protein function with a positive predictive value of 80%. In summary, the available evidence is currently insufficient to determine the role of this variant in disease. Therefore, it has been classified as a Variant of Uncertain Significance.

Ambry Genetics
Classification: Uncertain significance. Last evaluated: 2023-11-14. Review status: criteria provided, single submitter. Criteria: Ambry Variant Classification Scheme 2023. Collection method: clinical testing. Allele origin: germline.